The following is an entry in ClinVar:

ClinVar aggregate classification (germline): Likely benign (0 of 4 stars; one submission).

Conditions:
PLEKHA7-related disorder. Also called: PLEKHA7-related condition.

Allele frequency attached by ClinVar (database versions not stated): ExAC 0.00001; gnomAD 0.00003; gnomAD exomes 0.00003; TOPMed 0.00004.
gnomAD v4.1: 44 of 1,606,666 alleles (0.0027%); highest among the groups gnomAD compares: Non-Finnish European, 0.0034%; no homozygotes.

Submission:

PreventionGenetics, part of Exact Sciences
Classification: Likely benign for PLEKHA7-related condition. Last evaluated: 2021-06-03. Review status: no assertion criteria provided. Collection method: clinical testing. Allele origin: germline.
Comment: This variant is classified as likely benign based on ACMG/AMP sequence variant interpretation guidelines (Richards et al. 2015 PMID: 25741868, with internal and published modifications).

NM_001329630.2(PLEKHA7):c.2409+10T>C

Gene: PLEKHA7 (pleckstrin homology domain containing A7; minus strand). Cytogenetic location: 11p15.2.
Variant type: single nucleotide variant.
Coding change: c.2409+10T>C on transcript NM_001329630.2 (MANE Select); 10 bases into the intron after coding-DNA position 2409, T replaced by C.
Molecular consequence: intron variant.
Genome position (GRCh38, 1-based): chr11:16,800,964, A>G on the plus strand (T>C on the coding strand, the complement: PLEKHA7 is on the minus strand). VCF-style: chr11-16800964-A-G. GRCh37 (hg19) VCF-style: chr11-16822511-A-G.
Other names: c.2409+10T>C (NM_001410960.1, NM_175058.5, NM_001329631.2).
Identifiers: ClinVar variation 3054825 (VCV003054825.2), dbSNP rs769596963, ClinGen allele CA5899113.